The following is an entry in ClinVar:

ClinVar aggregate classification (germline): Pathogenic (1 of 4 stars; one submission).

Conditions:
Autosomal dominant Alport syndrome (ATS3A). Also called: Alport syndrome dominant type; Renal failure and sensorineural hearing loss; ALPORT SYNDROME 3A, AUTOSOMAL DOMINANT. Identifiers: Orphanet 63, Orphanet 88918, MedGen C5882663, MONDO:0007086, OMIM 104200.

Submission:

MVZ Medizinische Genetik Mainz
Classification: Pathogenic for Autosomal dominant Alport syndrome. Last evaluated: 2021-10-14. Review status: criteria provided, single submitter. Criteria: UK Practice Guidelines For Variant Classification V4 01 2020. Collection method: clinical testing. Allele origin: germline. Inheritance: Autosomal dominant inheritance. Affected: yes. Observed: 1 variant allele.
Comment: ACMG Criteria: PVS1, PM2_SUP (ACMG Version 3)

NM_000091.5(COL4A3):c.2657-1G>C

Genes: COL4A3 (collagen type IV alpha 3 chain; plus strand), MFF-DT (MFF divergent transcript; minus strand). Cytogenetic location: 2q36.3.
Variant type: single nucleotide variant.
Coding change: c.2657-1G>C on transcript NM_000091.5 (MANE Select); the canonical splice acceptor site of the intron before coding-DNA position 2657, G replaced by C.
Molecular consequence: splice acceptor variant.
Genome position (GRCh38, 1-based): chr2:227,283,766, G>C. VCF-style: chr2-227283766-G-C. GRCh37 (hg19) VCF-style: chr2-228148482-G-C.
Identifiers: ClinVar variation 3236037 (VCV003236037.1), dbSNP rs373324875, ClinGen allele CA350851019.